The following is an entry in ClinVar:

ClinVar aggregate classification (germline): Uncertain significance (1 of 4 stars; one submission).

Submission:

Labcorp Genetics (formerly Invitae), Labcorp
Classification: Uncertain significance. Last evaluated: 2023-06-11. Review status: criteria provided, single submitter. Criteria: Invitae Variant Classification Sherloc (09022015). Collection method: clinical testing. Allele origin: germline.
Comment: This sequence change replaces arginine, which is basic and polar, with serine, which is neutral and polar, at codon 360 of the OAS1 protein (p.Arg360Ser). This variant is not present in population databases (gnomAD no frequency). This variant has not been reported in the literature in individuals affected with OAS1-related conditions. Algorithms developed to predict the effect of missense changes on protein structure and function output the following: SIFT: "Not Available"; PolyPhen-2: "Benign"; Align-GVGD: "Not Available". The serine amino acid residue is found in multiple mammalian species, which suggests that this missense change does not adversely affect protein function. In summary, the available evidence is currently insufficient to determine the role of this variant in disease. Therefore, it has been classified as a Variant of Uncertain Significance.

NM_016816.4(OAS1):c.1080G>C (p.Arg360Ser)

Gene: OAS1 (2'-5'-oligoadenylate synthetase 1; plus strand). Cytogenetic location: 12q24.13.
Variant type: single nucleotide variant.
Coding change: c.1080G>C on transcript NM_016816.4 (MANE Select); coding-DNA position 1080, G replaced by C.
Protein change: p.Arg360Ser; replaces arginine 360 with serine.
Molecular consequence: missense variant. On other transcripts: 3 prime UTR variant (5), non-coding transcript variant (7), intron variant (5).
Genome position (GRCh38, 1-based): chr12:112,919,430, G>C. VCF-style: chr12-112919430-G-C. GRCh37 (hg19) VCF-style: chr12-113357235-G-C.
Other names: c.1056G>C, p.Arg352Ser (NM_001406021.1); c.*717G>C (NM_001406022.1, NM_001406023.1, NM_001406029.1); c.*1673G>C (NM_001406024.1, NM_001406030.1); c.606G>C, p.Arg202Ser (NM_001406027.1); c.1038+1730G>C (NM_001320151.2); c.1014+1730G>C (NM_001406025.1); c.1039-57G>C (NM_001032409.3); c.1015-57G>C (NM_001406020.1); and 1 more; short protein forms R202S, R352S, R360S.
Identifiers: ClinVar variation 2863747 (VCV002863747.3), dbSNP rs2540984011, ClinGen allele CA386810129.
Genomic context (GRCh38, chr12:112,919,430, plus strand): 5'-ATGTGTCTCACCCTTTCAGGCTGAAAGCAACAGTGCAGACGATGAGACCGACGATCCCAG[G>C]AGGTATCAGAAATATGGTTACATTGGAACACATGAGTACCCTCATTTCTCTCATAGACCC-3'
Protein context (NP_058132.2, residues 350-370): NSADDETDDP[Arg360Ser]RYQKYGYIGT